The following is an entry in ClinVar:

ClinVar aggregate classification (germline): Uncertain significance. Review status: criteria provided, multiple submitters, no conflicts (2 of 4 stars). 2 submissions from 2 submitters: Uncertain significance (2). Last evaluated 2025-01-30.

Conditions:
Cone-rod dystrophy 2 (CORD2). Also called: CONE-ROD RETINAL DYSTROPHY; Cone-rod retinal dystrophy 2. Identifiers: Orphanet 1872, MedGen C3489532, MONDO:0007362, OMIM 120970.
Leber congenital amaurosis 7 (LCA7). Identifiers: Orphanet 65, MedGen C3151192, MONDO:0013449, OMIM 613829.
Inborn genetic diseases. Identifiers: MedGen C0950123, MeSH D030342.

Allele frequency attached by ClinVar (database versions not stated): ExAC 0.00001; gnomAD exomes 0.00002.

Submissions (2):

Ambry Genetics
Classification: Uncertain significance for Inborn genetic diseases. Last evaluated: 2025-01-30. Review status: criteria provided, single submitter. Criteria: Ambry Variant Classification Scheme 2023. Collection method: clinical testing. Allele origin: germline.

Labcorp Genetics (formerly Invitae), Labcorp
Classification: Uncertain significance for Cone-rod dystrophy 2; Leber congenital amaurosis 7. Last evaluated: 2023-10-24. Review status: criteria provided, single submitter. Criteria: Invitae Variant Classification Sherloc (09022015). Collection method: clinical testing. Allele origin: germline.
Comment: This sequence change replaces alanine, which is neutral and non-polar, with valine, which is neutral and non-polar, at codon 189 of the CRX protein (p.Ala189Val). This variant is present in population databases (rs754851169, gnomAD 0.0009%). This variant has not been reported in the literature in individuals affected with CRX-related conditions. Advanced modeling of protein sequence and biophysical properties (such as structural, functional, and spatial information, amino acid conservation, physicochemical variation, residue mobility, and thermodynamic stability) performed at Invitae indicates that this missense variant is not expected to disrupt CRX protein function with a negative predictive value of 80%. In summary, the available evidence is currently insufficient to determine the role of this variant in disease. Therefore, it has been classified as a Variant of Uncertain Significance.

NM_000554.6(CRX):c.566C>T (p.Ala189Val)

Gene: CRX (cone-rod homeobox; plus strand). Cytogenetic location: 19q13.33.
Variant type: single nucleotide variant.
Coding change: c.566C>T on transcript NM_000554.6 (MANE Select); coding-DNA position 566, C replaced by T.
Protein change: p.Ala189Val; replaces alanine 189 with valine.
Molecular consequence: missense variant.
Genome position (GRCh38, 1-based): chr19:47,839,633, C>T. VCF-style: chr19-47839633-C-T. GRCh37 (hg19) VCF-style: chr19-48342890-C-T.
Other names: c.566C>T (NM_000554.4); short protein forms A189V.
Identifiers: ClinVar variation 2928964 (VCV002928964.4), dbSNP rs754851169, ClinGen allele CA9544519.